The following is an entry in ClinVar:

ClinVar aggregate classification (germline): Uncertain significance. Review status: criteria provided, multiple submitters, no conflicts (2 of 4 stars). 3 submissions from 3 submitters: Uncertain significance (3). Last evaluated 2025-08-29.

Conditions:
Hereditary spastic paraplegia 39 (SPG39). Also called: SPASTIC PARAPLEGIA 39, AUTOSOMAL RECESSIVE; Spastic Paraplegia Type 39 (SPG39). Identifiers: Orphanet 139480, MedGen C2677586, MONDO:0012787, OMIM 612020.

Allele frequency attached by ClinVar (database versions not stated): gnomAD exomes below 0.00001.
gnomAD v4.1: 1 of 1,612,792 alleles (0.000062%); no homozygotes.

Submissions (3):

Mayo Clinic Laboratories, Mayo Clinic
Classification: Uncertain significance. Last evaluated: 2025-08-29. Review status: criteria provided, single submitter. Criteria: ACMG Guidelines, 2015. Collection method: clinical testing. Allele origin: germline. Observed: 1 variant allele.
Comment: BP4_moderate, PM2_supporting

Labcorp Genetics (formerly Invitae), Labcorp
Classification: Uncertain significance for Hereditary spastic paraplegia 39. Last evaluated: 2022-09-07. Review status: criteria provided, single submitter. Criteria: Invitae Variant Classification Sherloc (09022015). Collection method: clinical testing. Allele origin: germline.
Comment: This sequence change replaces serine, which is neutral and polar, with threonine, which is neutral and polar, at codon 73 of the PNPLA6 protein (p.Ser73Thr). In summary, the available evidence is currently insufficient to determine the role of this variant in disease. Therefore, it has been classified as a Variant of Uncertain Significance. Algorithms developed to predict the effect of missense changes on protein structure and function are either unavailable or do not agree on the potential impact of this missense change (SIFT: "Tolerated"; PolyPhen-2: "Probably Damaging"; Align-GVGD: "Class C0"). ClinVar contains an entry for this variant (Variation ID: 1388352). This variant has not been reported in the literature in individuals affected with PNPLA6-related conditions. This variant is present in population databases (no rsID available, gnomAD 0.003%).

Blueprint Genetics
Classification: Uncertain significance. Last evaluated: 2019-01-03. Review status: criteria provided, single submitter. Criteria: ACMG Guidelines, 2015. Collection method: clinical testing. Allele origin: germline.

NM_001166114.2(PNPLA6):c.334T>A (p.Ser112Thr)

Gene: PNPLA6 (patatin like domain 6, lysophospholipase; plus strand). Cytogenetic location: 19p13.2.
Variant type: single nucleotide variant.
Coding change: c.334T>A on transcript NM_001166114.2 (MANE Select); coding-DNA position 334, T replaced by A.
Protein change: p.Ser112Thr; replaces serine 112 with threonine.
Molecular consequence: missense variant.
Genome position (GRCh38, 1-based): chr19:7,536,467, T>A. VCF-style: chr19-7536467-T-A. GRCh37 (hg19) VCF-style: chr19-7601353-T-A.
Other names: p.Ser73Thr; c.361T>A, p.Ser121Thr (NM_001166111.2); c.217T>A, p.Ser73Thr (NM_001166112.2, NM_001166113.1, NM_006702.5); short protein forms S121T, S73T, S112T.
Identifiers: ClinVar variation 1388352 (VCV001388352.8), dbSNP rs1193422027, ClinGen allele CA403098610.
Genomic context (GRCh38, chr19:7,536,467, plus strand): 5'-TCTGAATTAGCAATTCACCCATCTCCGCCTTCATTCTCCCAGGTGTCACAATCCACCTCC[T>A]CCCTCGTGGATACCTCTGTCTCCGCCACCTCCCGGCCACGCATGAGGAAGAAACTGAAGA-3'
Protein context (NP_001159586.1, residues 102-122): IMRKVSQSTS[Ser112Thr]LVDTSVSATS